The following is an entry in ClinVar:

ClinVar aggregate classification (germline): Likely benign. Review status: criteria provided, multiple submitters, no conflicts (2 of 4 stars). 2 submissions from 2 submitters: Likely benign (2). Last evaluated 2025-01-09.

Conditions:
Familial cancer of breast. Also called: BREAST CANCER, FAMILIAL; hereditary breast carcinoma; Hereditary breast cancer. Identifiers: Orphanet 227535, MedGen C0346153, MONDO:0016419, OMIM 114480. Disease mechanism: loss of function.

Submissions (2):

Myriad Genetics, Inc.
Classification: Likely benign for Familial cancer of breast. Last evaluated: 2025-01-09. Review status: criteria provided, single submitter. Criteria: Myriad Autosomal Dominant, Autosomal Recessive and X-Linked Classification Criteria (2023). Collection method: clinical testing. Allele origin: unknown.
Comment: This variant is considered likely benign. This variant is intronic and is not expected to impact mRNA splicing.

Labcorp Genetics (formerly Invitae), Labcorp
Classification: Likely benign for Familial cancer of breast. Last evaluated: 2024-01-11. Review status: criteria provided, single submitter. Criteria: Invitae Variant Classification Sherloc (09022015). Collection method: clinical testing. Allele origin: germline.

NM_024675.4(PALB2):c.109-8T>C

Gene: PALB2 (partner and localizer of BRCA2; minus strand). Cytogenetic location: 16p12.2.
Variant type: single nucleotide variant.
Coding change: c.109-8T>C on transcript NM_024675.4 (MANE Select); 8 bases into the intron before coding-DNA position 109, T replaced by C.
Molecular consequence: intron variant.
Genome position (GRCh38, 1-based): chr16:23,637,960, A>G on the plus strand (T>C on the coding strand, the complement: PALB2 is on the minus strand). VCF-style: chr16-23637960-A-G. GRCh37 (hg19) VCF-style: chr16-23649281-A-G.
Identifiers: ClinVar variation 749423 (VCV000749423.12), dbSNP rs1597101610, ClinGen allele CA915949141.